The following is an entry in ClinVar:

NM_001375765.1(GIGYF1):c.1134C>T (p.Leu378=)

Gene: GIGYF1 (GRB10 interacting GYF protein 1; minus strand). Cytogenetic location: 7q22.1.
Variant type: single nucleotide variant.
Coding change: c.1134C>T on transcript NM_001375765.1 (MANE Select); coding-DNA position 1134, C replaced by T.
Protein change: p.Leu378=; no amino-acid change (leucine 378 retained).
Molecular consequence: synonymous variant. On other transcripts: non-coding transcript variant (1).
Genome position (GRCh38, 1-based): chr7:100,685,402, G>A on the plus strand (C>T on the coding strand, the complement: GIGYF1 is on the minus strand). VCF-style: chr7-100685402-G-A. GRCh37 (hg19) VCF-style: chr7-100283025-G-A.
Other names: NM_022574.4:c.1134C>T; c.1134C>T, p.Leu378= (NM_001375759.1, NM_001375760.1, NM_001375761.1 and 6 more transcripts).
Identifiers: ClinVar variation 3050670 (VCV003050670.2), dbSNP rs139769261, ClinGen allele CA4388699.

ClinVar aggregate classification (germline): Benign (0 of 4 stars; one submission).

Conditions:
GIGYF1-related disorder. Also called: GIGYF1-related condition.

Allele frequency attached by ClinVar (database versions not stated): ExAC 0.00112; 1000 Genomes Project 30x 0.00328; gnomAD 0.00358; 1000 Genomes Project 0.00359; ESP Exome Variant Server 0.00369; TOPMed 0.00383.
gnomAD v4.1: 1,053 of 1,589,502 alleles (0.066%); highest among the groups gnomAD compares: African/African-American, 1.1%; 8 homozygotes.

Submission:

PreventionGenetics, part of Exact Sciences
Classification: Benign for GIGYF1-related condition. Last evaluated: 2022-01-31. Review status: no assertion criteria provided. Collection method: clinical testing. Allele origin: germline.
Comment: This variant is classified as benign based on ACMG/AMP sequence variant interpretation guidelines (Richards et al. 2015 PMID: 25741868, with internal and published modifications).